The following is an entry in ClinVar:

NM_001009944.3(PKD1):c.4306C>T (p.Arg1436Ter)

Gene: PKD1 (polycystin 1, transient receptor potential channel interacting; minus strand). Cytogenetic location: 16p13.3.
Variant type: single nucleotide variant.
Coding change: c.4306C>T on transcript NM_001009944.3 (MANE Select); coding-DNA position 4306, C replaced by T.
Protein change: p.Arg1436Ter; replaces arginine 1436 with a stop codon.
Molecular consequence: nonsense.
Genome position (GRCh38, 1-based): chr16:2,110,861, G>A on the plus strand (C>T on the coding strand, the complement: PKD1 is on the minus strand). VCF-style: chr16-2110861-G-A. GRCh37 (hg19) VCF-style: chr16-2160862-G-A.
Other names: c.4306C>T, p.Arg1436Ter (NM_000296.4); short protein forms R1436*.
Identifiers: ClinVar variation 562236 (VCV000562236.29), dbSNP rs1567200516, ClinGen allele CA394380805.

ClinVar aggregate classification (germline): Pathogenic. Review status: criteria provided, multiple submitters, no conflicts (2 of 4 stars). 15 submissions from 15 submitters: Pathogenic (13). 2 of the submissions do not count toward it. Last evaluated 2026-06-16.

Conditions:
PKD1-related disorder. Also called: PKD1-related condition.
Cystic renal disease.
Polycystic kidney disease, adult type (PKD1). Also called: Polycystic Kidney Disease 1, Autosomal Dominant; Polycystic kidney disease 1; Polycystic kidney disease 1, severe; Polycystic Kidney, Autosomal Dominant; POLYCYSTIC KIDNEY DISEASE 1 WITH OR WITHOUT POLYCYSTIC LIVER DISEASE; POLYCYSTIC KIDNEY DISEASE, ADULT, TYPE I. Identifiers: MedGen C3149841, MONDO:0008263, OMIM 173900.
Inborn genetic diseases. Identifiers: MedGen C0950123, MeSH D030342.
Polycystic kidney disease. Also called: Kidney, Polycystic; Polycystic kidney dysplasia. Identifiers: MedGen C0022680, MeSH D007690, MONDO:0020642, HP:0000113.

Submissions (15):

Genetics Laboratory, Great Ormond Street Hospital NHS Foundation Trust, North Thames Genomic Laboratory Hub
Classification: Pathogenic for Cystic renal disease. Last evaluated: 2026-06-16. Review status: criteria provided, single submitter. Criteria: ACGS Best Practice Guidelines for Variant Classification in Rare Disease 2024 v1.2. Collection method: clinical testing. Allele origin: germline. Affected: yes.
Comment: PS4_moderate, PM2_moderate, PVS1_very-strong, PP4_supporting

Women's Health and Genetics/Laboratory Corporation of America, LabCorp
Classification: Pathogenic for Polycystic kidney disease, adult type. Last evaluated: 2026-03-02. Review status: criteria provided, single submitter. Criteria: LabCorp Variant Classification Summary - May 2015. Collection method: clinical testing. Allele origin: germline.
Comment: Variant summary: PKD1 c.4306C>T (p.Arg1436X) results in a premature termination codon, predicted to cause a truncation of the encoded protein or absence of the protein due to nonsense mediated decay, which are commonly known mechanisms for disease. Loss of function variants in this gene are known to be pathogenic. The variant was absent in 249252 control chromosomes. c.4306C>T has been observed in at least one individual affected with Autosomal Dominant Polycystic Kidney Disease 1 (Garcia-Gonzalez_2007). The following publication have been ascertained in the context of this evaluation (PMID: 17574468). ClinVar contains an entry for this variant (Variation ID: 562236). Based on the evidence outlined above, the variant was classified as pathogenic.

GeneDx
Classification: Pathogenic. Last evaluated: 2024-12-31. Review status: criteria provided, single submitter. Criteria: GeneDx Variant Classification Process June 2021. Collection method: clinical testing. Allele origin: germline. Affected: yes.
Comment: Nonsense variant predicted to result in protein truncation or nonsense mediated decay in a gene for which loss of function is a known mechanism of disease; Not observed at significant frequency in large population cohorts (gnomAD); This variant is associated with the following publications: (PMID: 25525159, 23300259, 29590654, 22367170, 31740684, 35325889, 33532864, 29529603, 30586318, 29633482, 28578020, 17574468, 36938073, 22508176, 36833371)

Ambry Genetics
Classification: Pathogenic for Inborn genetic diseases. Last evaluated: 2024-08-29. Review status: criteria provided, single submitter. Criteria: Ambry Variant Classification Scheme 2023. Collection method: clinical testing. Allele origin: germline.
Comment: The c.4306C>T (p.R1436*) alteration, located in exon 15 (coding exon 15) of the PKD1 gene, consists of a C to T substitution at nucleotide position 4306. This changes the amino acid from a arginine (R) to a stop codon at amino acid position 1436. This alteration is expected to result in loss of function by premature protein truncation or nonsense-mediated mRNA decay. This variant was not reported in population-based cohorts in the Genome Aggregation Database (gnomAD). This variant was reported in multiple individuals with features consistent with polycystic kidney disease (Garcia-Gonzalez, 2007; Liu, 2015; Ranjzad, 2018; Wang, 2019; Zhang, 2019; Domingo-Gallego, 2022; Suzuki, 2023). Based on the available evidence, this alteration is classified as pathogenic.

Fulgent Genetics
Classification: Pathogenic for Polycystic kidney disease, adult type. Last evaluated: 2024-06-18. Review status: criteria provided, single submitter. Criteria: ACMG Guidelines, 2015. Collection method: clinical testing. Allele origin: germline.

Blueprint Genetics
Classification: Pathogenic for PKD1-related disorders. Last evaluated: 2024-06-03. Review status: criteria provided, single submitter. Criteria: ACMG Guidelines, 2015. Collection method: clinical testing. Allele origin: germline. Affected: yes. Observed: 5 variant alleles.

Clinical Genetics Laboratory, Region Ostergotland
Classification: Pathogenic for Polycystic kidney disease, adult type. Last evaluated: 2023-11-02. Review status: criteria provided, single submitter. Criteria: ACMG Guidelines, 2015. Collection method: clinical testing. Allele origin: germline. Affected: yes.
Comment: PVS1, PS4, PM2

Athena Diagnostics
Classification: Pathogenic. Last evaluated: 2022-03-04. Review status: criteria provided, single submitter. Criteria: Athena Diagnostics Criteria. Collection method: clinical testing. Allele origin: unknown.
Comment: This variant is expected to result in the loss of a functional protein. This variant has not been reported in large, multi-ethnic general populations. This variant segregates with disease in multiple families.

Victorian Clinical Genetics Services, Murdoch Childrens Research Institute
Classification: Pathogenic for Polycystic kidney disease, adult type. Last evaluated: 2020-05-01. Review status: criteria provided, single submitter. Criteria: ACMG Guidelines, 2015. Collection method: clinical testing. Allele origin: germline. Inheritance: Autosomal dominant inheritance. Affected: yes.
Comment: Based on the classification scheme VCGS_Germline_v1.1.1, this variant is classified as Pathogenic. Following criteria are met: 0102 - Loss-of-function is a known mechanism of disease for this gene. (N) 0107 - This gene is known to be associated with autosomal dominant disease. (N) 0112 - Variants in this gene are known to have reduced penetrance (OMIM). (N) 0201 - Variant is predicted to cause nonsense-mediated decay (NMD) and loss of protein (exon 15 of 46). (P) 0251 - Variant is heterozygous. (N) 0301 - Variant is absent from gnomAD. (P) 0701 - Comparable NMD causing variants have very strong previous evidence for pathogenicity (ClinVar). (P) 0801 - Strong previous evidence of pathogenicity in unrelated individuals (ClinVar, Garcia-Gonzalez, M. et al. (2007), Liu, Y. et al. (2015), Liu, B. et al. (2015), Kinoshita, M. et al. (2016), Wang, T. et al. (2019)). (P) 1208 - Inheritance information for this variant is not currently available. (N) Legend: (P) - Pathogenic, (N) - Neutral, (B) - Benign

Molecular Biology Laboratory, Fundació Puigvert
Classification: Pathogenic for Polycystic kidney disease, adult type. Last evaluated: 2020-02-01. Review status: criteria provided, single submitter. Criteria: ACMG Guidelines, 2015. Collection method: research. Allele origin: germline. Affected: yes. Study: KidneyPanel_2020.

ARUP Laboratories, Molecular Genetics and Genomics, ARUP Laboratories
Classification: Pathogenic for Polycystic kidney disease, adult type. Last evaluated: 2019-12-02. Review status: criteria provided, single submitter. Criteria: ARUP Molecular Germline Variant Investigation Process. Collection method: clinical testing. Allele origin: germline.
Comment: The PKD1 c.4306C>T; p.Arg1436Ter variant is reported in the literature in several individuals and families affected with autosomal dominant polycystic kidney disease (Garcia-Gonzalez 2007, Ranjzad 2018, Xu 2018). This variant is absent from general population databases (Exome Variant Server, Genome Aggregation Database), indicating it is not a common polymorphism. This variant induces an early termination codon and is predicted to result in a truncated protein or mRNA subject to nonsense-mediated decay. Based on available information, this variant is considered to be pathogenic. References: Garcia-Gonzalez MA et al. Evaluating the clinical utility of a molecular genetic test for polycystic kidney disease. Mol Genet Metab. 2007 Sep-Oct;92(1-2):160-7. Ranjzad F et al. Identification of Three Novel Frameshift Mutations in the PKD1 Gene in Iranian Families with Autosomal Dominant Polycystic Kidney Disease Using Efficient Targeted Next-Generation Sequencing. Kidney Blood Press Res. 2018;43(2):471-478. Xu D et al. Novel Mutations in the PKD1 and PKD2 Genes of Chinese Patients with Autosomal Dominant Polycystic Kidney Disease. Kidney Blood Press Res. 2018;43(2):297-309.

Gharavi Laboratory, Columbia University
Classification: Pathogenic. Last evaluated: 2018-09-16. Review status: criteria provided, single submitter. Criteria: ACMG Guidelines, 2015. Collection method: research. Allele origin: germline. Affected: yes.

Juno Genomics, Hangzhou Juno Genomics, Inc
Classification: Pathogenic for Polycystic kidney disease, adult type. Review status: criteria provided, single submitter. Criteria: ACMG Guidelines, 2015. Collection method: clinical testing. Allele origin: germline. Affected: yes.
Comment: Absent from controls (or at extremely low frequency if recessive) in Genome Aggregation Database, Exome Sequencing Project, 1000 Genomes Project, or Exome Aggregation Consortium.;Null variant in a gene where loss of function (LOF) is a known mechanism of disease.;The prevalence of the variant in affected individuals is significantly increased compared to the prevalence in controls.

PreventionGenetics, part of Exact Sciences
Classification: Pathogenic for PKD1-related condition. Last evaluated: 2024-03-07. Review status: no assertion criteria provided. Collection method: clinical testing. Allele origin: germline. Not counted in ClinVar's aggregate classification.
Comment: The PKD1 c.4306C>T variant is predicted to result in premature protein termination (p.Arg1436*). This variant has been reported to be pathogenic for autosomal dominant polycystic kidney disease (ADPKD) (see for example at Garcia-Gonzalez et al. 2007. PubMed ID: 17574468; Ranjzad et al. 2018. PubMed ID: 29590654; Groopman et al. 2019. PubMed ID: 30586318, Table S7). To our knowledge, this variant has not been reported in a large population database, indicating this variant is rare. Nonsense variants in PKD1 are expected to be pathogenic. This variant is interpreted as pathogenic.

Department of Pathology and Laboratory Medicine, Sinai Health System
Classification: Pathogenic for Polycystic Kidney disease. Review status: no assertion criteria provided. Collection method: clinical testing. Allele origin: unknown. Affected: yes. Study: The Canadian Open Genetics Repository (COGR). Not counted in ClinVar's aggregate classification.
Comment: The PKD1 p.Arg1436* variant was identified in 7 of 2502 proband chromosomes (frequency: 0.003) from individuals or families with autosomal dominant polycystic kidney disease (ADPKD) and was not identified in 280 control chromosomes from healthy individuals (Audrezet 2012, Garcia-Gonzalez 2007, Hwang 2016, Kinoshita 2016, Liu 2015, Liu 2015, Ranjzad 2018). The variant was also identified in ClinVar (as pathogenic by Columbia University), LOVD 3.0 (as pathogenic), and ADPKD Mutation Database (as definitely pathogenic). The variant was not identified in dbSNP or PKD1-LOVD. The variant was not identified in the following control databases: the Exome Aggregation Consortium (August 8th 2016) or the Genome Aggregation Database (Feb 27, 2017). The p.Arg1436* variant leads to a premature stop codon at position 1436 which is predicted to lead to a truncated or absent protein and loss of function. Loss of function variants of the PKD1 gene are an established mechanism of disease in ADPKD and is the type of variant expected to cause the disorder. In summary, based on the above information, this variant meets our laboratoryâ€šÃ„Ã´s criteria to be classified as pathogenic.

Literature cited by the submitters: PubMed 17574468 (cited by 4 submitters); PubMed 26632257 (cited by Ambry Genetics and Victorian Clinical Genetics Services, Murdoch Childrens Research Institute); PubMed 29590654 (cited by Ambry Genetics and Athena Diagnostics); PubMed 29633482 (cited by Ambry Genetics and Athena Diagnostics); PubMed 31056860 (cited by 3 submitters); PubMed 33532864 (cited by Ambry Genetics and Molecular Biology Laboratory, Fundació Puigvert); PubMed 36833371 (cited by Ambry Genetics); PubMed 26274329 (cited by Victorian Clinical Genetics Services, Murdoch Childrens Research Institute); PubMed 27835667 (cited by Victorian Clinical Genetics Services, Murdoch Childrens Research Institute).